The following is an entry in ClinVar:

ClinVar aggregate classification (germline): Uncertain significance. Review status: criteria provided, multiple submitters, no conflicts (2 of 4 stars). 2 submissions from 2 submitters: Uncertain significance (2). Last evaluated 2025-01-31.

Conditions:
Cardiovascular phenotype. Identifiers: MedGen CN230736.

Allele frequency attached by ClinVar (database versions not stated): gnomAD exomes 0.00005.
gnomAD v4.1: 41 of 1,614,034 alleles (0.0025%); highest among the groups gnomAD compares: Non-Finnish European, 0.0034%; no homozygotes.

Submissions (2):

Ambry Genetics
Classification: Uncertain significance for Cardiovascular phenotype. Last evaluated: 2025-01-31. Review status: criteria provided, single submitter. Criteria: Ambry Variant Classification Scheme 2023. Collection method: clinical testing. Allele origin: germline.
Comment: The p.Q1998H variant (also known as c.5994G>T), located in coding exon 38 of the ANK2 gene, results from a G to T substitution at nucleotide position 5994. The glutamine at codon 1998 is replaced by histidine, an amino acid with highly similar properties. This amino acid position is conserved. In addition, the in silico prediction for this alteration is inconclusive. Based on the available evidence, the clinical significance of this variant remains unclear.

Blueprint Genetics
Classification: Uncertain significance. Last evaluated: 2023-11-23. Review status: criteria provided, single submitter. Criteria: ACMG Guidelines, 2015. Collection method: clinical testing. Allele origin: germline.

NM_001148.6(ANK2):c.5994G>T (p.Gln1998His)

Genes: ANK2 (ankyrin 2; plus strand), LOC126807136 (MED14-independent group 3 enhancer GRCh37_chr4:114274931-114276130; plus strand). Cytogenetic location: 4q26.
Variant type: single nucleotide variant.
Coding change: c.5994G>T on transcript NM_001148.6 (MANE Select); coding-DNA position 5994, G replaced by T.
Protein change: p.Gln1998His; replaces glutamine 1998 with histidine.
Molecular consequence: missense variant. On other transcripts: intron variant (68).
Genome position (GRCh38, 1-based): chr4:113,354,612, G>T. VCF-style: chr4-113354612-G-T. GRCh37 (hg19) VCF-style: chr4-114275768-G-T.
Other names: c.4360+4363G>T (NM_001386161.1, NM_001354244.2, NM_001354256.2); c.4285+4363G>T (NM_001354261.2); c.4165+4363G>T (NM_001386156.1, NM_001354257.2); c.4261+4363G>T (NM_001354264.2); c.4240+4363G>T (NM_001354267.2, NM_001386162.1, NM_001354249.2 and 2 more transcripts); c.4141+4363G>T (NM_001354271.2, NM_001386151.1, NM_001354260.2); c.3943+4363G>T (NM_001386158.1); c.4471+4363G>T (NM_001354241.2, NM_001386144.1, NM_001354240.2); and 35 more; short protein forms Q2037H, Q798H, Q1920H, Q1998H, Q2045H.
Identifiers: ClinVar variation 2558285 (VCV002558285.4), dbSNP rs1363542531, ClinGen allele CA357922047.